The following is an entry in ClinVar:

NM_000130.5(F5):c.911G>A (p.Gly304Glu)

Gene: F5 (coagulation factor V; minus strand). Cytogenetic location: 1q24.2.
Variant type: single nucleotide variant.
Coding change: c.911G>A on transcript NM_000130.5 (MANE Select); coding-DNA position 911, G replaced by A.
Protein change: p.Gly304Glu; replaces glycine 304 with glutamic acid.
Molecular consequence: missense variant.
Genome position (GRCh38, 1-based): chr1:169,556,687, C>T on the plus strand (G>A on the coding strand, the complement: F5 is on the minus strand). VCF-style: chr1-169556687-C-T. GRCh37 (hg19) VCF-style: chr1-169525925-C-T.
Other names: short protein forms G304E.
Identifiers: ClinVar variation 627404 (VCV000627404.7), dbSNP rs865947251, ClinGen allele CA32391346.

ClinVar aggregate classification (germline): Conflicting classifications of pathogenicity. Review status: criteria provided, conflicting classifications (1 of 4 stars). 5 submissions from 4 submitters: Pathogenic (1); Likely pathogenic (3); Uncertain significance (1). Last evaluated 2024-12-18.

Conditions:
Congenital factor V deficiency. Also called: PARAHEMOPHILIA; Hereditary factor V deficiency disease; LABILE FACTOR DEFICIENCY; OWREN PARAHEMOPHILIA. Identifiers: Orphanet 326, MedGen C0015499, MONDO:0009210, OMIM 227400.
Factor V deficiency. Also called: Reduced coagulation factor V activity. Identifiers: Orphanet 326, MedGen C4317320, MONDO:0020586, HP:0003225.
Thromboembolism. Identifiers: MedGen C0040038, HP:0001907.

Allele frequency attached by ClinVar (database versions not stated): gnomAD 0.00002; gnomAD exomes 0.00002; TOPMed 0.00002.
gnomAD v4.1: 30 of 1,613,916 alleles (0.0019%); highest among the groups gnomAD compares: Non-Finnish European, 0.0024%; no homozygotes.

Submissions (5):

Women's Health and Genetics/Laboratory Corporation of America, LabCorp
Classification: Pathogenic for Congenital factor V deficiency. Last evaluated: 2024-12-18. Review status: criteria provided, single submitter. Criteria: LabCorp Variant Classification Summary - May 2015. Collection method: clinical testing. Allele origin: germline.
Comment: Variant summary: F5 c.911G>A (p.Gly304Glu) results in a non-conservative amino acid change in the encoded protein sequence. Five of five in-silico tools predict a damaging effect of the variant on protein function. The variant allele was found at a frequency of 1.6e-05 in 251412 control chromosomes (gnomAD). c.911G>A has been reported in the literature in multiple individuals affected with Congenital Factor V Deficiency (e.g. Delev_2009, Tian_2018, Luo_2020). These data indicate that the variant is very likely to be associated with disease. The following publications have been ascertained in the context of this evaluation (PMID: 19486170, 29652992, 32833806). ClinVar contains an entry for this variant (Variation ID: 627404). Based on the evidence outlined above, the variant was classified as pathogenic.

Labcorp Genetics (formerly Invitae), Labcorp
Classification: Likely pathogenic for Congenital factor V deficiency. Last evaluated: 2024-02-09. Review status: criteria provided, single submitter. Criteria: Invitae Variant Classification Sherloc (09022015). Collection method: clinical testing. Allele origin: germline.
Comment: This sequence change replaces glycine, which is neutral and non-polar, with glutamic acid, which is acidic and polar, at codon 304 of the F5 protein (p.Gly304Glu). This variant is present in population databases (no rsID available, gnomAD 0.006%). This missense change has been observed in individual(s) with autosomal recessive factor V deficiency (PMID: 19486170, 31064749, 32833806, 34280927, 37150682). In at least one individual the data is consistent with being in trans (on the opposite chromosome) from a pathogenic variant. This variant is also known as p.Gly276Glu. ClinVar contains an entry for this variant (Variation ID: 627404). Advanced modeling of protein sequence and biophysical properties (such as structural, functional, and spatial information, amino acid conservation, physicochemical variation, residue mobility, and thermodynamic stability) performed at Invitae indicates that this missense variant is expected to disrupt F5 protein function with a positive predictive value of 80%. In summary, the currently available evidence indicates that the variant is pathogenic, but additional data are needed to prove that conclusively. Therefore, this variant has been classified as Likely Pathogenic.

NIHR Bioresource Rare Diseases, University of Cambridge
Classification: Likely pathogenic for Congenital factor V deficiency. Last evaluated: 2019-02-01. Review status: criteria provided, single submitter. Criteria: ACMG Guidelines, 2015. Collection method: research. Allele origin: unknown. Affected: yes. Observed: 1 compound heterozygote. Study: ThromboGenomics.

NIHR Bioresource Rare Diseases, University of Cambridge
Classification: Uncertain significance for Thromboembolism. Last evaluated: 2019-02-01. Review status: criteria provided, single submitter. Criteria: ACMG Guidelines, 2015. Collection method: research. Allele origin: unknown. Affected: yes. Observed: 1 heterozygote. Study: ThromboGenomics.

ISTH-SSC Genomics in Thrombosis and Hemostasis, KU Leuven, Center for Molecular and Vascular Biology
Classification: Likely pathogenic for Congenital factor V deficiency. Review status: criteria provided, single submitter. Criteria: ACMG Guidelines, 2015. Collection method: clinical testing. Allele origin: germline. Affected: yes. Observed: 1 homozygote.
Comment: Submitted to GoldVariant by Kathleen Freson, Center for Molecular and Vascular Biology, Leuven, Belgium

Literature cited by the submitters: PubMed 19486170 (cited by Women's Health and Genetics/Laboratory Corporation of America, LabCorp and Labcorp Genetics (formerly Invitae), Labcorp); PubMed 32833806 (cited by Women's Health and Genetics/Laboratory Corporation of America, LabCorp and Labcorp Genetics (formerly Invitae), Labcorp); PubMed 29652992 (cited by Women's Health and Genetics/Laboratory Corporation of America, LabCorp); PubMed 31064749 (cited by Labcorp Genetics (formerly Invitae), Labcorp and NIHR Bioresource Rare Diseases, University of Cambridge); PubMed 34280927 (cited by Labcorp Genetics (formerly Invitae), Labcorp); PubMed 37150682 (cited by Labcorp Genetics (formerly Invitae), Labcorp).